The following is an entry in ClinVar:

ClinVar aggregate classification (germline): Pathogenic/Likely pathogenic. Review status: criteria provided, multiple submitters, no conflicts (2 of 4 stars). 3 submissions from 3 submitters: Pathogenic (2); Likely pathogenic (1). Last evaluated 2025-08-07.

Conditions:
Microcephaly, normal intelligence and immunodeficiency (NBS). Also called: IMMUNODEFICIENCY, MICROCEPHALY, AND CHROMOSOMAL INSTABILITY; SEEMANOVA SYNDROME II; Nijmegen breakage syndrome; Microcephaly with normal intelligence immunodeficiency and lymphoreticular malignancies; Nonsyndromal microcephaly autosomal recessive with normal intelligence; Seemanova syndrome 2. Identifiers: Orphanet 647, MedGen C0398791, MONDO:0009623, OMIM 251260.

Submissions (3):

Labcorp Genetics (formerly Invitae), Labcorp
Classification: Pathogenic for Microcephaly, normal intelligence and immunodeficiency. Last evaluated: 2025-08-07. Review status: criteria provided, single submitter. Criteria: Invitae Variant Classification Sherloc (09022015). Collection method: clinical testing. Allele origin: germline.
Comment: This sequence change creates a premature translational stop signal (p.Leu312*) in the NBN gene. It is expected to result in an absent or disrupted protein product. Loss-of-function variants in NBN are known to be pathogenic (PMID: 9590180, 16415040). This variant is not present in population databases (gnomAD no frequency). This premature translational stop signal has been observed in individual(s) with breast cancer (PMID: 30875412). ClinVar contains an entry for this variant (Variation ID: 461584). For these reasons, this variant has been classified as Pathogenic.

Genome-Nilou Lab
Classification: Pathogenic for Microcephaly, normal intelligence and immunodeficiency. Last evaluated: 2021-11-07. Review status: criteria provided, single submitter. Criteria: ACMG Guidelines, 2015. Collection method: clinical testing. Allele origin: germline. Affected: no.

Diagnostics Division, CENTRE FOR DNA FINGERPRINTING AND DIAGNOSTICS
Classification: Likely pathogenic for Microcephaly, normal intelligence and immunodeficiency. Last evaluated: 2019-01-01. Review status: criteria provided, single submitter. Criteria: ACMG Guidelines, 2015. Collection method: research. Allele origin: germline. Affected: yes. Observed: 1 homozygote.
Comment: Nonsense variant

Literature cited by the submitters: PubMed 9590180 (cited by Labcorp Genetics (formerly Invitae), Labcorp); PubMed 16415040 (cited by Labcorp Genetics (formerly Invitae), Labcorp); PubMed 30875412 (cited by Labcorp Genetics (formerly Invitae), Labcorp).

NM_002485.5(NBN):c.935T>A (p.Leu312Ter)

Gene: NBN (nibrin; minus strand). Cytogenetic location: 8q21.3.
Variant type: single nucleotide variant.
Coding change: c.935T>A on transcript NM_002485.5 (MANE Select); coding-DNA position 935, T replaced by A.
Protein change: p.Leu312Ter; replaces leucine 312 with a stop codon.
Molecular consequence: nonsense.
Genome position (GRCh38, 1-based): chr8:89,964,469, A>T on the plus strand (T>A on the coding strand, the complement: NBN is on the minus strand). VCF-style: chr8-89964469-A-T. GRCh37 (hg19) VCF-style: chr8-90976697-A-T.
Other names: c.689T>A, p.Leu230Ter (NM_001024688.3); short protein forms L312*, L230*.
Identifiers: ClinVar variation 461584 (VCV000461584.10), dbSNP rs371480039, ClinGen allele CA371657029.